The following is an entry in ClinVar:

NM_005732.4(RAD50):c.756+5C>G

Gene: RAD50 (RAD50 double strand break repair protein; plus strand). Cytogenetic location: 5q31.1.
Variant type: single nucleotide variant.
Coding change: c.756+5C>G on transcript NM_005732.4 (MANE Select); 5 bases into the intron after coding-DNA position 756, C replaced by G.
Molecular consequence: intron variant.
Genome position (GRCh38, 1-based): chr5:132,580,071, C>G. VCF-style: chr5-132580071-C-G. GRCh37 (hg19) VCF-style: chr5-131915763-C-G.
Identifiers: ClinVar variation 1465949 (VCV001465949.6), dbSNP rs587782827, ClinGen allele CA2573139084.

ClinVar aggregate classification (germline): Uncertain significance (1 of 4 stars; one submission).

Conditions:
Hereditary cancer-predisposing syndrome. Also called: Tumor predisposition; Hereditary neoplastic syndrome; Hereditary Cancer Syndrome; Neoplastic Syndromes, Hereditary. Identifiers: Orphanet 140162, MedGen C0027672, MeSH D009386, MONDO:0015356.

gnomAD v4.1: 1 of 1,602,078 alleles (0.000062%); highest among the groups gnomAD compares: Non-Finnish European, 0.000086%; no homozygotes.

Submission:

Labcorp Genetics (formerly Invitae), Labcorp
Classification: Uncertain significance for Hereditary cancer-predisposing syndrome. Last evaluated: 2023-05-15. Review status: criteria provided, single submitter. Criteria: Invitae Variant Classification Sherloc (09022015). Collection method: clinical testing. Allele origin: germline.
Comment: In summary, the available evidence is currently insufficient to determine the role of this variant in disease. Therefore, it has been classified as a Variant of Uncertain Significance. Variants that disrupt the consensus splice site are a relatively common cause of aberrant splicing (PMID: 17576681, 9536098). Algorithms developed to predict the effect of sequence changes on RNA splicing suggest that this variant is not likely to affect RNA splicing. This variant has not been reported in the literature in individuals affected with RAD50-related conditions. This variant is not present in population databases (gnomAD no frequency). This sequence change falls in intron 5 of the RAD50 gene. It does not directly change the encoded amino acid sequence of the RAD50 protein. It affects a nucleotide within the consensus splice site.

Literature cited by the submitters: PubMed 17576681; PubMed 9536098.